The following is an entry in ClinVar:

NM_178822.5(IGSF10):c.2878G>C (p.Glu960Gln)

Gene: IGSF10 (immunoglobulin superfamily member 10; minus strand). Cytogenetic location: 3q25.1.
Variant type: single nucleotide variant.
Coding change: c.2878G>C on transcript NM_178822.5 (MANE Select); coding-DNA position 2878, G replaced by C.
Protein change: p.Glu960Gln; replaces glutamic acid 960 with glutamine.
Molecular consequence: missense variant.
Genome position (GRCh38, 1-based): chr3:151,447,103, C>G on the plus strand (G>C on the coding strand, the complement: IGSF10 is on the minus strand). VCF-style: chr3-151447103-C-G. GRCh37 (hg19) VCF-style: chr3-151164891-C-G.
Other names: c.2878G>C, p.Glu960Gln (NM_001385060.1, NM_001385061.1, NM_001385062.1 and 1 more transcripts); short protein forms E960Q.
Identifiers: ClinVar variation 789722 (VCV000789722.13), dbSNP rs35983399, ClinGen allele CA2670273.
Genomic context (GRCh38, chr3:151,447,103, plus strand): 5'-AGGTGCTAAGTATTTGAGTAGTGTGAGAATAGAAGTGATTGTGCCTGGGTTCACTCACTT[C>G]TCTTACAGATGTCTGATGACTATTTGTGGTATTTACTGACTCTAATAATAGTTTGTTGGT-3'
Protein context (NP_849144.2, residues 950-970): TTNSHQTSVR[Glu960Gln]VSEPRHNHFY

ClinVar aggregate classification (germline): Benign. Review status: criteria provided, multiple submitters, no conflicts (2 of 4 stars). 3 submissions from 3 submitters: Benign (2). 1 of the submissions does not count toward it. Last evaluated 2025-12-15.

Conditions:
IGSF10-related disorder. Also called: IGSF10-related condition.

Allele frequency attached by ClinVar (database versions not stated): gnomAD exomes 0.00071 and 0.00216; ExAC 0.00261; gnomAD 0.00793 and 0.00859; TOPMed 0.00934; 1000 Genomes Project 0.00958; ESP Exome Variant Server 0.01023; 1000 Genomes Project 30x 0.01046.
gnomAD v4.1: 2,327 of 1,614,130 alleles (0.14%); highest among the groups gnomAD compares: African/African-American, 2.7%; 27 homozygotes.

Submissions (3):

Labcorp Genetics (formerly Invitae), Labcorp
Classification: Benign. Last evaluated: 2025-12-15. Review status: criteria provided, single submitter. Criteria: Invitae Variant Classification Sherloc (09022015). Collection method: clinical testing. Allele origin: germline.

Breakthrough Genomics
Classification: Benign. Review status: criteria provided, single submitter. Criteria: ACMG Guidelines, 2015. Collection method: not provided. Allele origin: germline. Inheritance: Unknown mechanism. Affected: yes.

PreventionGenetics, part of Exact Sciences
Classification: Benign for IGSF10-related condition. Last evaluated: 2019-05-01. Review status: no assertion criteria provided. Collection method: clinical testing. Allele origin: germline. Not counted in ClinVar's aggregate classification.
Comment: This variant is classified as benign based on ACMG/AMP sequence variant interpretation guidelines (Richards et al. 2015 PMID: 25741868, with internal and published modifications).